The following is an entry in ClinVar:

ClinVar aggregate classification (germline): Uncertain significance (1 of 4 stars; one submission).

Allele frequency attached by ClinVar (database versions not stated): gnomAD 0.00003; TOPMed 0.00004; ExAC 0.00005; gnomAD exomes 0.00005; 1000 Genomes Project 30x 0.00016; 1000 Genomes Project 0.00020.

Submission:

Labcorp Genetics (formerly Invitae), Labcorp
Classification: Uncertain significance. Last evaluated: 2025-03-19. Review status: criteria provided, single submitter. Criteria: Invitae Variant Classification Sherloc (09022015). Collection method: clinical testing. Allele origin: germline.
Comment: This sequence change replaces valine, which is neutral and non-polar, with isoleucine, which is neutral and non-polar, at codon 969 of the EGF protein (p.Val969Ile). This variant is present in population databases (rs201012847, gnomAD 0.008%). This variant has not been reported in the literature in individuals affected with EGF-related conditions. ClinVar contains an entry for this variant (Variation ID: 2182433). An algorithm developed to predict the effect of missense changes on protein structure and function outputs the following: PolyPhen-2: "Benign". The isoleucine amino acid residue is found in multiple mammalian species, which suggests that this missense change does not adversely affect protein function. In summary, the available evidence is currently insufficient to determine the role of this variant in disease. Therefore, it has been classified as a Variant of Uncertain Significance.

NM_001963.6(EGF):c.2905G>A (p.Val969Ile)

Genes: EGF (epidermal growth factor; plus strand), LOC129992959 (ATAC-STARR-seq lymphoblastoid active region 21813; plus strand). Cytogenetic location: 4q25.
Variant type: single nucleotide variant.
Coding change: c.2905G>A on transcript NM_001963.6 (MANE Select); coding-DNA position 2905, G replaced by A.
Protein change: p.Val969Ile; replaces valine 969 with isoleucine.
Molecular consequence: missense variant.
Genome position (GRCh38, 1-based): chr4:109,994,780, G>A. VCF-style: chr4-109994780-G-A. GRCh37 (hg19) VCF-style: chr4-110915936-G-A.
Other names: c.2782G>A, p.Val928Ile (NM_001178130.3); c.2779G>A, p.Val927Ile (NM_001178131.3); c.2536G>A, p.Val846Ile (NM_001357021.2); short protein forms V928I, V846I, V969I, V927I.
Identifiers: ClinVar variation 2182433 (VCV002182433.4), dbSNP rs201012847, ClinGen allele CA3044125.